The following is an entry in ClinVar:

ClinVar aggregate classification (germline): Uncertain significance (1 of 4 stars; one submission).

Conditions:
Hereditary cancer-predisposing syndrome. Also called: Tumor predisposition; Neoplastic Syndromes, Hereditary; Hereditary Cancer Syndrome; Hereditary neoplastic syndrome. Identifiers: Orphanet 140162, MedGen C0027672, MeSH D009386, MONDO:0015356.

Submission:

Ambry Genetics
Classification: Uncertain significance for Hereditary cancer-predisposing syndrome. Last evaluated: 2024-12-21. Review status: criteria provided, single submitter. Criteria: Ambry Variant Classification Scheme 2023. Collection method: clinical testing. Allele origin: germline.
Comment: The p.S201R variant (also known as c.603T>G), located in coding exon 4 of the PALB2 gene, results from a T to G substitution at nucleotide position 603. The serine at codon 201 is replaced by arginine, an amino acid with dissimilar properties. This amino acid position is conserved. In addition, this alteration is predicted to be tolerated by in silico analysis. Based on the available evidence, the clinical significance of this variant remains unclear.

NM_024675.4(PALB2):c.603T>G (p.Ser201Arg)

Gene: PALB2 (partner and localizer of BRCA2; minus strand). Cytogenetic location: 16p12.2.
Variant type: single nucleotide variant.
Coding change: c.603T>G on transcript NM_024675.4 (MANE Select); coding-DNA position 603, T replaced by G.
Protein change: p.Ser201Arg; replaces serine 201 with arginine.
Molecular consequence: missense variant. On other transcripts: 5 prime UTR variant (8), intron variant (3).
Genome position (GRCh38, 1-based): chr16:23,635,943, A>C on the plus strand (T>G on the coding strand, the complement: PALB2 is on the minus strand). VCF-style: chr16-23635943-A-C. GRCh37 (hg19) VCF-style: chr16-23647264-A-C.
Other names: c.543T>G, p.Ser181Arg (NM_001407296.1); c.603T>G, p.Ser201Arg (NM_001407297.1, NM_001407298.1, NM_001407299.1 and 3 more transcripts); c.-283T>G (NM_001407304.1, NM_001407305.1, NM_001407306.1 and 5 more transcripts); c.48+5167T>G (NM_001407314.1); c.-105+5167T>G (NM_001407313.1, NM_001407312.1); short protein forms S181R, S201R.
Identifiers: ClinVar variation 3885195 (VCV003885195.1).